The following is an entry in ClinVar:

ClinVar aggregate classification (germline): Uncertain significance. Review status: criteria provided, multiple submitters, no conflicts (2 of 4 stars). 2 submissions from 2 submitters: Uncertain significance (2). Last evaluated 2026-05-15.

Conditions:
Imerslund-Grasbeck syndrome. Also called: Megaloblastic anemia due to inborn errors of metabolism; PERNICIOUS ANEMIA, JUVENILE, DUE TO SELECTIVE INTESTINAL MALABSORPTION OF VITAMIN B12, WITH PROTEINURIA; ENTEROCYTE COBALAMIN MALABSORPTION; ENTEROCYTE INTRINSIC FACTOR RECEPTOR, DEFECT OF; Imerslund-Gräsbeck syndrome. Identifiers: Orphanet 35858, MedGen C4551825, MONDO:0009853.
CUBN-related disorder. Also called: CUBN-related condition.

Submissions (2):

PreventionGenetics, part of Exact Sciences
Classification: Uncertain significance for CUBN-related condition. Last evaluated: 2026-05-15. Review status: criteria provided, single submitter. Criteria: ACMG Guidelines, 2015. Collection method: clinical testing. Allele origin: germline.
Comment: The CUBN c.6647-18_6647-9del10 variant is predicted to result in an intronic deletion. This variant is predicted to alter splicing based on available splicing prediction programs (Alamut Visual Plus v1.13; SpliceAI, Jaganathan et al. 2019. PubMed ID: 30661751). However, the use of computer prediction programs is not equivalent to functional evidence. To our knowledge, this variant has not been reported in the literature. This variant is reported in 0.028% of alleles in individuals of African descent in gnomAD. Although we suspect that this variant may be pathogenic, the clinical significance of this variant is uncertain at this time due to the absence of conclusive functional and genetic evidence.

Labcorp Genetics (formerly Invitae), Labcorp
Classification: Uncertain significance for Imerslund-Grasbeck syndrome. Last evaluated: 2025-06-12. Review status: criteria provided, single submitter. Criteria: Invitae Variant Classification Sherloc (09022015). Collection method: clinical testing. Allele origin: germline.
Comment: This sequence change falls in intron 43 of the CUBN gene. It does not directly change the encoded amino acid sequence of the CUBN protein. This variant is present in population databases (rs770523740, gnomAD 0.03%). This variant has not been reported in the literature in individuals affected with CUBN-related conditions. Algorithms developed to predict the effect of sequence changes on RNA splicing suggest that this variant may disrupt the consensus splice site. In summary, the available evidence is currently insufficient to determine the role of this variant in disease. Therefore, it has been classified as a Variant of Uncertain Significance.

NM_001081.4(CUBN):c.6647-18_6647-9del

Gene: CUBN (cubilin; minus strand). Cytogenetic location: 10p13.
Variant type: Deletion.
Coding change: c.6647-18_6647-9del on transcript NM_001081.4 (MANE Select); 18 bases into the intron before coding-DNA position 6647 through 9 bases into the intron before coding-DNA position 6647, 10 bases deleted (AAGTGTGTTT; older notation c.6647-18_6647-9delAAGTGTGTTT).
Molecular consequence: intron variant.
Genome position (GRCh38, 1-based): chr10:16,920,146-16,920,155, AAACACACTT deleted on the plus strand (AAGTGTGTTT on the coding strand, the reverse complement: CUBN is on the minus strand); deleting any 10 consecutive bases within chr10:16,920,146-16,920,158 gives the same sequence; the c. name uses the placement nearest the transcript's 3' end. VCF-style (leftmost placement, unchanged base first): chr10-16920145-CAAACACACTT-C. GRCh37 (hg19) VCF-style: chr10-16962144-CAAACACACTT-C.
Other names: c.6647-18_6647-9del10 (NM_001081.3).
Identifiers: ClinVar variation 4748791 (VCV004748791.2).